The following is an entry in ClinVar:

NM_001963.6(EGF):c.1088G>A (p.Trp363Ter)

Gene: EGF (epidermal growth factor; plus strand). Cytogenetic location: 4q25.
Variant type: single nucleotide variant.
Coding change: c.1088G>A on transcript NM_001963.6 (MANE Select); coding-DNA position 1088, G replaced by A.
Protein change: p.Trp363Ter; replaces tryptophan 363 with a stop codon.
Molecular consequence: nonsense.
Genome position (GRCh38, 1-based): chr4:109,960,888, G>A. VCF-style: chr4-109960888-G-A. GRCh37 (hg19) VCF-style: chr4-110882044-G-A.
Other names: c.1088G>A, p.Trp363Ter (NM_001178130.3); c.962G>A, p.Trp321Ter (NM_001178131.3, NM_001357021.2); short protein forms W321*, W363*.
Identifiers: ClinVar variation 3633229 (VCV003633229.2).

ClinVar aggregate classification (germline): Uncertain significance (1 of 4 stars; one submission).

Submission:

Labcorp Genetics (formerly Invitae), Labcorp
Classification: Uncertain significance. Last evaluated: 2024-10-02. Review status: criteria provided, single submitter. Criteria: Invitae Variant Classification Sherloc (09022015). Collection method: clinical testing. Allele origin: germline.
Comment: This sequence change creates a premature translational stop signal (p.Trp363*) in the EGF gene. It is expected to result in an absent or disrupted protein product. However, the current clinical and genetic evidence is not sufficient to establish whether loss-of-function variants in EGF cause disease. This variant is not present in population databases (gnomAD no frequency). This variant has not been reported in the literature in individuals affected with EGF-related conditions. Algorithms developed to predict the effect of sequence changes on RNA splicing suggest that this variant may disrupt the consensus splice site. In summary, the available evidence is currently insufficient to determine the role of this variant in disease. Therefore, it has been classified as a Variant of Uncertain Significance.